The following is an entry in ClinVar:

ClinVar aggregate classification (germline): Uncertain significance (1 of 4 stars; one submission).

Conditions:
Long QT syndrome (LQTS). Identifiers: MedGen C0023976, MeSH D008133, MONDO:0002442. Disease mechanism: loss of function. Inheritance: Various modes of inheritance.

Allele frequency attached by ClinVar (database versions not stated): gnomAD exomes below 0.00001.
gnomAD v4.1: 1 of 1,613,776 alleles (0.000062%); highest among the groups gnomAD compares: Admixed American, 0.0017%; no homozygotes.

Submission:

Labcorp Genetics (formerly Invitae), Labcorp
Classification: Uncertain significance for Long QT syndrome. Last evaluated: 2021-08-13. Review status: criteria provided, single submitter. Criteria: Invitae Variant Classification Sherloc (09022015). Collection method: clinical testing. Allele origin: germline.
Comment: In summary, the available evidence is currently insufficient to determine the role of this variant in disease. Therefore, it has been classified as a Variant of Uncertain Significance. Algorithms developed to predict the effect of missense changes on protein structure and function are either unavailable or do not agree on the potential impact of this missense change (SIFT: "Tolerated"; PolyPhen-2: "Possibly Damaging"; Align-GVGD: "Class C0"). This variant has not been reported in the literature in individuals affected with AKAP9-related conditions. This variant is not present in population databases (ExAC no frequency). This sequence change replaces aspartic acid with asparagine at codon 2269 of the AKAP9 protein (p.Asp2269Asn). The aspartic acid residue is moderately conserved and there is a small physicochemical difference between aspartic acid and asparagine.

NM_005751.5(AKAP9):c.6805G>A (p.Asp2269Asn)

Gene: AKAP9 (A-kinase anchoring protein 9; plus strand). Cytogenetic location: 7q21.2.
Variant type: single nucleotide variant.
Coding change: c.6805G>A on transcript NM_005751.5 (MANE Select); coding-DNA position 6805, G replaced by A.
Protein change: p.Asp2269Asn; replaces aspartic acid 2269 with asparagine.
Molecular consequence: missense variant.
Genome position (GRCh38, 1-based): chr7:92,077,735, G>A. VCF-style: chr7-92077735-G-A. GRCh37 (hg19) VCF-style: chr7-91707049-G-A.
Other names: c.1450G>A, p.Asp484Asn (NM_001379277.1); c.6781G>A, p.Asp2261Asn (NM_147185.3); short protein forms D484N, D2261N, D2269N.
Identifiers: ClinVar variation 1398774 (VCV001398774.6), dbSNP rs1353254249, ClinGen allele CA368133620.
Genomic context (GRCh38, chr7:92,077,735, plus strand): 5'-GATAATTATTTTTGTTCCTAGGATGACATGGAGAAACTGGGACTTGCCATAAAGGAATCT[G>A]ATGCCATGTCTACTCAAGACCAACATGTGCTATTTGGGAAATTTGCTCAAATAATACAGG-3'
Protein context (NP_005742.4, residues 2259-2279): EKLGLAIKES[Asp2269Asn]AMSTQDQHVL